The following is an entry in ClinVar:

ClinVar aggregate classification (germline): Likely benign (1 of 4 stars; one submission).

gnomAD v4.1: 111 of 1,613,904 alleles (0.0069%); highest among the groups gnomAD compares: African/African-American, 0.013%; no homozygotes.

Submission:

CeGaT Center for Human Genetics Tuebingen
Classification: Likely benign. Last evaluated: 2025-06-01. Review status: criteria provided, single submitter. Criteria: CeGaT Center For Human Genetics Tuebingen Variant Classification Criteria Version 2. Collection method: clinical testing. Allele origin: germline. Affected: yes. Observed: 1 variant allele.
Comment: WDR27: BP4, BP7

NM_182552.5(WDR27):c.564C>T (p.Ala188=)

Gene: WDR27 (WD repeat domain 27; minus strand). Cytogenetic location: 6q27.
Variant type: single nucleotide variant.
Coding change: c.564C>T on transcript NM_182552.5 (MANE Select); coding-DNA position 564, C replaced by T.
Protein change: p.Ala188=; no amino-acid change (alanine 188 retained).
Molecular consequence: synonymous variant. On other transcripts: non-coding transcript variant (1), intron variant (4).
Genome position (GRCh38, 1-based): chr6:169,668,078, G>A on the plus strand (C>T on the coding strand, the complement: WDR27 is on the minus strand). VCF-style: chr6-169668078-G-A. GRCh37 (hg19) VCF-style: chr6-170068174-G-A.
Other names: c.331+4177C>T (NM_001350623.2); c.332-2522C>T (NM_001202550.2); c.457-891C>T (NM_001350625.2, NM_001350624.2).
Identifiers: ClinVar variation 4083663 (VCV004083663.8).